The following is an entry in ClinVar:

ClinVar aggregate classification (germline): Likely benign. Review status: criteria provided, single submitter (1 of 4 stars). 2 submissions from 2 submitters: Likely benign (1). 1 of the submissions does not count toward it. Last evaluated 2023-07-08.

Conditions:
PCNT-related disorder. Also called: PCNT-related condition.

Allele frequency attached by ClinVar (database versions not stated): ExAC 0.00001.
gnomAD v4.1: 1 of 1,604,158 alleles (0.000062%); no homozygotes.

Submissions (2):

Labcorp Genetics (formerly Invitae), Labcorp
Classification: Likely benign. Last evaluated: 2023-07-08. Review status: criteria provided, single submitter. Criteria: Invitae Variant Classification Sherloc (09022015). Collection method: clinical testing. Allele origin: germline.

PreventionGenetics, part of Exact Sciences
Classification: Likely benign for PCNT-related condition. Last evaluated: 2022-08-30. Review status: no assertion criteria provided. Collection method: clinical testing. Allele origin: germline. Not counted in ClinVar's aggregate classification.
Comment: This variant is classified as likely benign based on ACMG/AMP sequence variant interpretation guidelines (Richards et al. 2015 PMID: 25741868, with internal and published modifications).

NM_006031.6(PCNT):c.4585-4T>C

Gene: PCNT (pericentrin; plus strand). Cytogenetic location: 21q22.3.
Variant type: single nucleotide variant.
Coding change: c.4585-4T>C on transcript NM_006031.6 (MANE Select); 4 bases into the intron before coding-DNA position 4585, T replaced by C.
Molecular consequence: intron variant.
Genome position (GRCh38, 1-based): chr21:46,399,586, T>C. VCF-style: chr21-46399586-T-C. GRCh37 (hg19) VCF-style: chr21-47819500-T-C.
Other names: c.4585-4T>C (NM_006031.5); c.4231-4T>C (NM_001315529.2).
Identifiers: ClinVar variation 2985031 (VCV002985031.4), dbSNP rs771304043, ClinGen allele CA10079734.